The following is an entry in ClinVar:

ClinVar aggregate classification (germline): Conflicting classifications of pathogenicity. Review status: criteria provided, conflicting classifications (1 of 4 stars). 5 submissions from 4 submitters: Uncertain significance (1); Benign (1); Likely benign (2). 1 of the submissions does not count toward it. Last evaluated 2026-01-05.

Conditions:
SAG-related disorder. Also called: SAG-related condition; SAG-related disorders.
Oguchi disease. Also called: Oguchi's disease. Identifiers: Orphanet 75382, MedGen C1306122, MONDO:0019152.
Retinitis pigmentosa (RP). Identifiers: Orphanet 791, MedGen C0035334, MeSH D012174, MONDO:0019200, OMIM 268000. Inheritance: Autosomal dominant, autosomal recessive and X linked inheritance.

Allele frequency attached by ClinVar (database versions not stated): gnomAD 0.00135 and 0.00141; gnomAD exomes 0.00037; ExAC 0.00105; ESP Exome Variant Server 0.00134; TOPMed 0.00153; 1000 Genomes Project 0.00160; 1000 Genomes Project 30x 0.00187.
gnomAD v4.1: 405 of 1,575,132 alleles (0.026%); highest among the groups gnomAD compares: African/African-American, 0.44%; 3 homozygotes.

Submissions (5):

Labcorp Genetics (formerly Invitae), Labcorp
Classification: Benign. Last evaluated: 2026-01-05. Review status: criteria provided, single submitter. Criteria: Invitae Variant Classification Sherloc (09022015). Collection method: clinical testing. Allele origin: germline.

Blueprint Genetics
Classification: Likely benign. Last evaluated: 2024-11-23. Review status: criteria provided, single submitter. Criteria: ACMG Guidelines, 2015. Collection method: clinical testing. Allele origin: germline.

Illumina Laboratory Services, Illumina
Classification: Likely benign for Oguchi disease-1. Last evaluated: 2018-01-12. Review status: criteria provided, single submitter. Criteria: ICSL Variant Classification Criteria 13 December 2019. Collection method: clinical testing. Allele origin: germline.
Comment: This variant was observed in the ICSL laboratory as part of a predisposition screen in an ostensibly healthy population. It had not been previously curated by ICSL or reported in the Human Gene Mutation Database (HGMD: prior to June 1st, 2018), and was therefore a candidate for classification through an automated scoring system. Utilizing variant allele frequency, disease prevalence and penetrance estimates, and inheritance mode, an automated score was calculated to assess if this variant is too frequent to cause the disease. Based on the score and internal cut-off values, a variant classified as likely benign is not then subjected to further curation. The score for this variant resulted in a classification of likely benign for this disease.

Illumina Laboratory Services, Illumina
Classification: Uncertain significance for Retinitis pigmentosa. Last evaluated: 2018-01-12. Review status: criteria provided, single submitter. Criteria: ICSL Variant Classification Criteria 13 December 2019. Collection method: clinical testing. Allele origin: germline.

PreventionGenetics, part of Exact Sciences
Classification: Likely benign for SAG-related condition. Last evaluated: 2023-04-26. Review status: no assertion criteria provided. Collection method: clinical testing. Allele origin: germline. Not counted in ClinVar's aggregate classification.
Comment: This variant is classified as likely benign based on ACMG/AMP sequence variant interpretation guidelines (Richards et al. 2015 PMID: 25741868, with internal and published modifications).

NM_000541.5(SAG):c.420A>G (p.Pro140=)

Gene: SAG (S-antigen visual arrestin; plus strand). Cytogenetic location: 2q37.1.
Variant type: single nucleotide variant.
Coding change: c.420A>G on transcript NM_000541.5 (MANE Select); coding-DNA position 420, A replaced by G.
Protein change: p.Pro140=; no amino-acid change (proline 140 retained).
Molecular consequence: synonymous variant.
Genome position (GRCh38, 1-based): chr2:233,322,990, A>G. VCF-style: chr2-233322990-A-G. GRCh37 (hg19) VCF-style: chr2-234231636-A-G.
Identifiers: ClinVar variation 769594 (VCV000769594.17), dbSNP rs150046934, ClinGen allele CA2174362.